The following is an entry in ClinVar:

ClinVar aggregate classification (germline): Uncertain significance. Review status: criteria provided, multiple submitters, no conflicts (2 of 4 stars). 2 submissions from 2 submitters: Uncertain significance (2). Last evaluated 2025-07-27.

Conditions:
Bone mineral density quantitative trait locus 1 (BMND1). Identifiers: MedGen C1866079, OMIM 601884.
Worth disease. Also called: ENDOSTEAL HYPEROSTOSIS, AUTOSOMAL DOMINANT; OSTEOSCLEROSIS, AUTOSOMAL DOMINANT; Autosomal dominant osteosclerosis, Worth type. Identifiers: Orphanet 2790, MedGen C0432273, MONDO:0007764, OMIM 144750.
Exudative vitreoretinopathy 4 (EVR4). Identifiers: Orphanet 891, MedGen C1866176, MONDO:0011151, OMIM 601813.
Osteoporosis. Identifiers: MedGen C0029456, MONDO:0005298, OMIM 166710, HP:0000939.
Polycystic liver disease 4 with or without kidney cysts. Identifiers: MedGen C4693479, MONDO:0044327, OMIM 617875.
Exudative vitreoretinopathy 1 (EVR1). Also called: CRISWICK-SCHEPENS SYNDROME; FEVR, AUTOSOMAL DOMINANT; Familial exudative vitreoretinopathy, autosomal dominant. Identifiers: Orphanet 891, Orphanet 90050, MedGen C1851402, MONDO:0007589, OMIM 133780.
Autosomal dominant osteopetrosis 1 (OPTA1). Also called: OSTEOPETROSIS, AUTOSOMAL DOMINANT, TYPE I. Identifiers: Orphanet 2783, MedGen C1843330, MONDO:0011877, OMIM 607634.
Osteoporosis with pseudoglioma (OPPG). Also called: osteoporosis-pseudoglioma syndrome. Identifiers: Orphanet 2788, MedGen C0432252, MONDO:0009820, OMIM 259770.

Allele frequency attached by ClinVar (database versions not stated): TOPMed below 0.00001; gnomAD exomes 0.00001.

Submissions (2):

Labcorp Genetics (formerly Invitae), Labcorp
Classification: Uncertain significance. Last evaluated: 2025-07-27. Review status: criteria provided, single submitter. Criteria: Invitae Variant Classification Sherloc (09022015). Collection method: clinical testing. Allele origin: germline.
Comment: This sequence change replaces aspartic acid, which is acidic and polar, with asparagine, which is neutral and polar, at codon 1474 of the LRP5 protein (p.Asp1474Asn). This variant is present in population databases (no rsID available, gnomAD 0.003%). This variant has not been reported in the literature in individuals affected with LRP5-related conditions. ClinVar contains an entry for this variant (Variation ID: 1034702). Invitae Evidence Modeling of protein sequence and biophysical properties (such as structural, functional, and spatial information, amino acid conservation, physicochemical variation, residue mobility, and thermodynamic stability) has been performed for this missense variant. However, the output from this modeling did not meet the statistical confidence thresholds required to predict the impact of this variant on LRP5 protein function. In summary, the available evidence is currently insufficient to determine the role of this variant in disease. Therefore, it has been classified as a Variant of Uncertain Significance.

Fulgent Genetics
Classification: Uncertain significance for Exudative vitreoretinopathy 1; Worth disease; Osteoporosis; Osteoporosis with pseudoglioma; Exudative vitreoretinopathy 4; Bone mineral density quantitative trait locus 1; Autosomal dominant osteopetrosis 1; Polycystic liver disease 4 with or without kidney cysts. Last evaluated: 2022-05-25. Review status: criteria provided, single submitter. Criteria: ACMG Guidelines, 2015. Collection method: clinical testing. Allele origin: unknown.

NM_002335.4(LRP5):c.4420G>A (p.Asp1474Asn)

Gene: LRP5 (LDL receptor related protein 5; plus strand). Cytogenetic location: 11q13.2.
Variant type: single nucleotide variant.
Coding change: c.4420G>A on transcript NM_002335.4 (MANE Select); coding-DNA position 4420, G replaced by A.
Protein change: p.Asp1474Asn; replaces aspartic acid 1474 with asparagine.
Molecular consequence: missense variant.
Genome position (GRCh38, 1-based): chr11:68,439,848, G>A. VCF-style: chr11-68439848-G-A. GRCh37 (hg19) VCF-style: chr11-68207316-G-A.
Other names: c.2677G>A, p.Asp893Asn (NM_001291902.2); short protein forms D1474N, D893N.
Identifiers: ClinVar variation 1034702 (VCV001034702.10), dbSNP rs959633003, ClinGen allele CA224255726.